The following is an entry in ClinVar:

ClinVar aggregate classification (germline): Uncertain significance (1 of 4 stars; one submission).

Allele frequency attached by ClinVar (database versions not stated): gnomAD 0.00001; TOPMed 0.00002.
gnomAD v4.1: 20 of 1,613,476 alleles (0.0012%); highest among the groups gnomAD compares: East Asian, 0.0022%; no homozygotes.

Submission:

Labcorp Genetics (formerly Invitae), Labcorp
Classification: Uncertain significance. Last evaluated: 2022-05-30. Review status: criteria provided, single submitter. Criteria: Invitae Variant Classification Sherloc (09022015). Collection method: clinical testing. Allele origin: germline.
Comment: This sequence change affects codon 1328 of the SORL1 mRNA. It is a 'silent' change, meaning that it does not change the encoded amino acid sequence of the SORL1 protein. This variant is present in population databases (rs772645609, gnomAD 0.006%). This variant has not been reported in the literature in individuals affected with SORL1-related conditions. Algorithms developed to predict the effect of sequence changes on RNA splicing suggest that this variant may create or strengthen a splice site. In summary, the available evidence is currently insufficient to determine the role of this variant in disease. Therefore, it has been classified as a Variant of Uncertain Significance.

NM_003105.6(SORL1):c.3984C>T (p.Phe1328=)

Gene: SORL1 (sortilin related receptor 1; plus strand). Cytogenetic location: 11q24.1.
Variant type: single nucleotide variant.
Coding change: c.3984C>T on transcript NM_003105.6 (MANE Select); coding-DNA position 3984, C replaced by T.
Protein change: p.Phe1328=; no amino-acid change (phenylalanine 1328 retained).
Molecular consequence: synonymous variant.
Genome position (GRCh38, 1-based): chr11:121,589,296, C>T. VCF-style: chr11-121589296-C-T. GRCh37 (hg19) VCF-style: chr11-121460005-C-T.
Identifiers: ClinVar variation 2160010 (VCV002160010.4), dbSNP rs772645609, ClinGen allele CA229864545.